The following is an entry in ClinVar:

ClinVar aggregate classification (germline): Benign/Likely benign. Review status: criteria provided, multiple submitters, no conflicts (2 of 4 stars). 2 submissions from 2 submitters: Benign (1); Likely benign (1). Last evaluated 2024-03-25.

Conditions:
Familial adenomatous polyposis 1 (FAP1). Also called: POLYPOSIS, ADENOMATOUS INTESTINAL; FAMILIAL ADENOMATOUS POLYPOSIS 1, ATTENUATED. Identifiers: MedGen C2713442, MONDO:0021056, OMIM 175100. Disease mechanism: loss of function.

Submissions (2):

Myriad Genetics, Inc.
Classification: Benign for Familial adenomatous polyposis 1. Last evaluated: 2024-03-25. Review status: criteria provided, single submitter. Criteria: Myriad Autosomal Dominant, Autosomal Recessive and X-Linked Classification Criteria (2023). Collection method: clinical testing. Allele origin: unknown.
Comment: This variant is considered benign. This variant is a silent/synonymous amino acid change and it is not expected to impact splicing.

Labcorp Genetics (formerly Invitae), Labcorp
Classification: Likely benign for Familial adenomatous polyposis 1. Last evaluated: 2022-06-14. Review status: criteria provided, single submitter. Criteria: Invitae Variant Classification Sherloc (09022015). Collection method: clinical testing. Allele origin: germline.

NM_000038.6(APC):c.4011G>T (p.Leu1337=)

Gene: APC (APC regulator of Wnt signaling pathway; plus strand). Cytogenetic location: 5q22.2.
Variant type: single nucleotide variant.
Coding change: c.4011G>T on transcript NM_000038.6 (MANE Select); coding-DNA position 4011, G replaced by T.
Protein change: p.Leu1337=; no amino-acid change (leucine 1337 retained).
Molecular consequence: synonymous variant.
Genome position (GRCh38, 1-based): chr5:112,839,605, G>T. VCF-style: chr5-112839605-G-T. GRCh37 (hg19) VCF-style: chr5-112175302-G-T.
Other names: c.4011G>T, p.Leu1337= (NM_001127510.3, NM_001354895.2); c.3957G>T, p.Leu1319= (NM_001127511.3); c.4065G>T, p.Leu1355= (NM_001354896.2); c.4041G>T, p.Leu1347= (NM_001354897.2); c.3936G>T, p.Leu1312= (NM_001354898.2); c.3927G>T, p.Leu1309= (NM_001354899.2); c.3888G>T, p.Leu1296= (NM_001354900.2); c.3834G>T, p.Leu1278= (NM_001354901.2); and 5 more.
Identifiers: ClinVar variation 1588071 (VCV001588071.9), dbSNP rs1765579898, ClinGen allele CA445964034.